The following is an entry in ClinVar:

NM_017849.4(TMEM127):c.245-2A>G

Gene: TMEM127 (transmembrane protein 127; minus strand). Cytogenetic location: 2q11.2.
Variant type: single nucleotide variant.
Coding change: c.245-2A>G on transcript NM_017849.4 (MANE Select); the canonical splice acceptor site of the intron before coding-DNA position 245, A replaced by G.
Molecular consequence: splice acceptor variant.
Genome position (GRCh38, 1-based): chr2:96,254,999, T>C on the plus strand (A>G on the coding strand, the complement: TMEM127 is on the minus strand). VCF-style: chr2-96254999-T-C. GRCh37 (hg19) VCF-style: chr2-96920737-T-C.
Other names: c.-8-2A>G (NM_001407283.1, NM_001407282.1); c.245-2A>G (NM_001193304.3).
Identifiers: ClinVar variation 1067852 (VCV001067852.10), dbSNP rs2104288018, ClinGen allele CA347653762.

ClinVar aggregate classification (germline): Pathogenic. Review status: criteria provided, multiple submitters, no conflicts (2 of 4 stars). 2 submissions from 2 submitters: Pathogenic (2). Last evaluated 2025-02-16.

Conditions:
Hereditary pheochromocytoma and paraganglioma. Also called: Hereditary paragangliomas and pheochromocytomas; Hereditary pheochromocytoma-paraganglioma; Hereditary Paraganglioma-Pheochromocytoma Syndromes. Identifiers: Orphanet 29072, MedGen C4274332, MONDO:0017366.

Submissions (2):

Laboratory of Genetics, Children's Clinical University Hospital Latvia
Classification: Pathogenic. Last evaluated: 2025-02-16. Review status: criteria provided, single submitter. Criteria: ACMG Guidelines, 2015. Collection method: clinical testing. Allele origin: germline. Affected: yes.

Labcorp Genetics (formerly Invitae), Labcorp
Classification: Pathogenic for Hereditary pheochromocytoma and paraganglioma. Last evaluated: 2024-04-05. Review status: criteria provided, single submitter. Criteria: Invitae Variant Classification Sherloc (09022015). Collection method: clinical testing. Allele origin: germline.
Comment: This sequence change affects an acceptor splice site in intron 2 of the TMEM127 gene. RNA analysis indicates that disruption of this splice site induces altered splicing and may result in an absent or disrupted protein product. This variant is not present in population databases (gnomAD no frequency). Disruption of this splice site has been observed in individual(s) with bilateral pheochromocytoma (PMID: 20154675). ClinVar contains an entry for this variant (Variation ID: 1067852). Studies have shown that disruption of this splice site results in activation of a cryptic splice site and introduces a premature termination codon (Invitae). The resulting mRNA is expected to undergo nonsense-mediated decay. For these reasons, this variant has been classified as Pathogenic.

Literature cited by the submitters: PubMed 20154675 (cited by Labcorp Genetics (formerly Invitae), Labcorp).